The following is an entry in ClinVar:

NM_001174089.2(SLC4A11):c.2559-2A>G

Gene: SLC4A11 (solute carrier family 4 member 11; minus strand). Cytogenetic location: 20p13.
Variant type: single nucleotide variant.
Coding change: c.2559-2A>G on transcript NM_001174089.2 (MANE Select); the canonical splice acceptor site of the intron before coding-DNA position 2559, A replaced by G.
Molecular consequence: splice acceptor variant.
Genome position (GRCh38, 1-based): chr20:3,227,858, T>C on the plus strand (A>G on the coding strand, the complement: SLC4A11 is on the minus strand). VCF-style: chr20-3227858-T-C. GRCh37 (hg19) VCF-style: chr20-3208504-T-C.
Other names: c.2502-2A>G (NM_001400277.1, NM_001400278.1, NM_001400279.1); c.2445-2A>G (NM_001363745.2); c.2574-2A>G (NM_001400280.1); c.2688-2A>G (NM_001174090.2); c.2607-2A>G (NM_032034.4).
Identifiers: ClinVar variation 3251962 (VCV003251962.1), dbSNP rs2514503723.

ClinVar aggregate classification (germline): Likely pathogenic (1 of 4 stars; one submission).

Conditions:
Congenital hereditary endothelial dystrophy of cornea. Also called: Corneal endothelial dystrophy, autosomal recessive; CORNEAL DYSTROPHY, CONGENITAL HEREDITARY ENDOTHELIAL; Congenital hereditary endothelial dystrophy of the cornea; Maumenee corneal dystrophy; Congenital hereditary endothelial dystrophy type II. Identifiers: Orphanet 293603, MedGen C1857569, MONDO:0009019, OMIM 217700.

Submission:

Diagnostics Services (NGS), CSIR - Centre For Cellular And Molecular Biology
Classification: Likely pathogenic for Congenital hereditary endothelial dystrophy of cornea. Last evaluated: 2024-03-28. Review status: criteria provided, single submitter. Criteria: ACMG Guidelines, 2015. Collection method: clinical testing. Allele origin: germline. Affected: yes. Observed: 1 variant allele, 1 homozygote.
Comment: The c.2559-2A>G variant is not present in publicly available population databases like 1000 Genomes, EVS, ExAC, gnomAD, Indian Exome Database or our in-house exome database. This variant has neither been published in literature with SLC4A11-related conditions nor reported to the clinical databases like Human Genome Mutation Database (HGMD), ClinVar or OMIM, in any affected individuals. Algorithms developed to predict the effect of sequence changes on RNA splicing suggest that this variant can disrupt the consensus splice site. In-silico pathogenicity prediction programs like MutationTaster2, CADD, Varsome, Franklin etc predicted this variant to be likely deleterious, however these predictions were not confirmed by published functional/translational studies.